The following is an entry in ClinVar:

ClinVar aggregate classification (germline): Uncertain significance. Review status: criteria provided, multiple submitters, no conflicts (2 of 4 stars). 6 submissions from 6 submitters: Uncertain significance (6). Last evaluated 2025-06-21.

Conditions:
VPS13A-related neurodegenerative disease. Also called: Choreoacanthocytosis; Chorea-acanthocytosis; VPS13A Disease; Choreaacanthocytosis; LEVINE-CRITCHLEY SYNDROME; ACANTHOCYTOSIS WITH NEUROLOGIC DISORDER. Identifiers: Orphanet 2388, MedGen C0393576, MONDO:0008695, OMIM 200150.
Inborn genetic diseases. Identifiers: MedGen C0950123, MeSH D030342.

Allele frequency attached by ClinVar (database versions not stated): gnomAD 0.00008 and 0.00012; TOPMed 0.00011; ESP Exome Variant Server 0.00015; 1000 Genomes Project 0.00020; 1000 Genomes Project 30x 0.00031.
gnomAD v4.1: 481 of 1,607,738 alleles (0.03%); highest among the groups gnomAD compares: South Asian, 0.1%; no homozygotes.

Submissions (6):

GeneDx
Classification: Uncertain significance. Last evaluated: 2025-06-21. Review status: criteria provided, single submitter. Criteria: GeneDx Variant Classification Process June 2021. Collection method: clinical testing. Allele origin: germline. Affected: yes.
Comment: In silico analysis suggests that this missense variant does not alter protein structure/function; Has not been previously published as pathogenic or benign to our knowledge

Blueprint Genetics
Classification: Uncertain significance. Last evaluated: 2024-11-21. Review status: criteria provided, single submitter. Criteria: ACMG Guidelines, 2015. Collection method: clinical testing. Allele origin: germline.

Labcorp Genetics (formerly Invitae), Labcorp
Classification: Uncertain significance. Last evaluated: 2024-09-22. Review status: criteria provided, single submitter. Criteria: Invitae Variant Classification Sherloc (09022015). Collection method: clinical testing. Allele origin: germline.
Comment: This sequence change replaces isoleucine, which is neutral and non-polar, with valine, which is neutral and non-polar, at codon 1065 of the VPS13A protein (p.Ile1065Val). This variant is present in population databases (rs143067406, gnomAD 0.09%). This variant has not been reported in the literature in individuals affected with VPS13A-related conditions. ClinVar contains an entry for this variant (Variation ID: 913891). An algorithm developed to predict the effect of missense changes on protein structure and function (PolyPhen-2) suggests that this variant is likely to be disruptive. In summary, the available evidence is currently insufficient to determine the role of this variant in disease. Therefore, it has been classified as a Variant of Uncertain Significance.

Ambry Genetics
Classification: Uncertain significance for Inborn genetic diseases. Last evaluated: 2022-12-19. Review status: criteria provided, single submitter. Criteria: Ambry Variant Classification Scheme 2023. Collection method: clinical testing. Allele origin: germline.

Department of Pathology and Laboratory Medicine, Sinai Health System
Classification: Uncertain significance for VPS13A-related neurodegenerative disease. Last evaluated: 2022-06-10. Review status: criteria provided, single submitter. Criteria: ACMG Guidelines, 2015. Collection method: research. Allele origin: germline.

Illumina Laboratory Services, Illumina
Classification: Uncertain significance for VPS13A-related neurodegenerative disease. Last evaluated: 2018-01-13. Review status: criteria provided, single submitter. Criteria: ICSL Variant Classification Criteria 13 December 2019. Collection method: clinical testing. Allele origin: germline.

NM_033305.3(VPS13A):c.3193A>G (p.Ile1065Val)

Gene: VPS13A (vacuolar protein sorting 13 homolog A; plus strand). Cytogenetic location: 9q21.2.
Variant type: single nucleotide variant.
Coding change: c.3193A>G on transcript NM_033305.3 (MANE Select); coding-DNA position 3193, A replaced by G.
Protein change: p.Ile1065Val; replaces isoleucine 1065 with valine.
Molecular consequence: missense variant. On other transcripts: intron variant (1).
Genome position (GRCh38, 1-based): chr9:77,283,429, A>G. VCF-style: chr9-77283429-A-G. GRCh37 (hg19) VCF-style: chr9-79898345-A-G.
Other names: c.3193A>G, p.Ile1065Val (NM_001018038.3, NM_015186.4); c.3119-118A>G (NM_001018037.2); short protein forms I1065V.
Identifiers: ClinVar variation 913891 (VCV000913891.10), dbSNP rs143067406, ClinGen allele CA5092182.